The following is an entry in ClinVar:

ClinVar aggregate classification (germline): Uncertain significance (1 of 4 stars; one submission).

Conditions:
Tuberous sclerosis 2 (TSC2). Identifiers: Orphanet 805, MedGen C1860707, MONDO:0013199, OMIM 613254.

Submission:

Labcorp Genetics (formerly Invitae), Labcorp
Classification: Uncertain significance for Tuberous sclerosis 2. Last evaluated: 2022-12-09. Review status: criteria provided, single submitter. Criteria: Invitae Variant Classification Sherloc (09022015). Collection method: clinical testing. Allele origin: germline.
Comment: This sequence change replaces phenylalanine, which is neutral and non-polar, with leucine, which is neutral and non-polar, at codon 1241 of the TSC2 protein (p.Phe1241Leu). In summary, the available evidence is currently insufficient to determine the role of this variant in disease. Therefore, it has been classified as a Variant of Uncertain Significance. Advanced modeling of protein sequence and biophysical properties (such as structural, functional, and spatial information, amino acid conservation, physicochemical variation, residue mobility, and thermodynamic stability) performed at Invitae indicates that this missense variant is not expected to disrupt TSC2 protein function. ClinVar contains an entry for this variant (Variation ID: 1026077). This variant has not been reported in the literature in individuals affected with TSC2-related conditions. This variant is not present in population databases (gnomAD no frequency).

NM_000548.5(TSC2):c.3723C>A (p.Phe1241Leu)

Gene: TSC2 (TSC complex subunit 2; plus strand). Cytogenetic location: 16p13.3.
Variant type: single nucleotide variant.
Coding change: c.3723C>A on transcript NM_000548.5 (MANE Select); coding-DNA position 3723, C replaced by A.
Protein change: p.Phe1241Leu; replaces phenylalanine 1241 with leucine.
Molecular consequence: missense variant.
Genome position (GRCh38, 1-based): chr16:2,081,707, C>A. VCF-style: chr16-2081707-C-A. GRCh37 (hg19) VCF-style: chr16-2131708-C-A.
Other names: c.3591C>A, p.Phe1197Leu (NM_001077183.3, NM_001370404.1); c.3723C>A, p.Phe1241Leu (NM_001114382.3); c.3483C>A, p.Phe1161Leu (NM_001318827.2); c.3447C>A, p.Phe1149Leu (NM_001318829.2); c.2991C>A, p.Phe997Leu (NM_001318831.2); c.3624C>A, p.Phe1208Leu (NM_001318832.2); c.3594C>A, p.Phe1198Leu (NM_001363528.2, NM_001370405.1, NM_021055.3); short protein forms F1149L, F1161L, F1197L, F1198L, F1208L, F1241L, F997L.
Identifiers: ClinVar variation 1026077 (VCV001026077.8), dbSNP rs45486193, ClinGen allele CA394292795.